The following is an entry in ClinVar:

NM_004525.3(LRP2):c.9389_9395delinsAT (p.Leu3130fs)

Gene: LRP2 (LDL receptor related protein 2; minus strand). Cytogenetic location: 2q31.1.
Variant type: Indel.
Coding change: c.9389_9395delinsAT on transcript NM_004525.3 (MANE Select); coding-DNA positions 9389 to 9395, TAACCAG replaced by AT.
Protein change: p.Leu3130fs; shifts the reading frame from leucine 3130.
Molecular consequence: frameshift variant.
Genome position (GRCh38, 1-based): chr2:169,185,953-169,185,959, CTGGTTA replaced by AT on the plus strand (TAACCAG replaced by AT on the coding strand, the reverse complement: LRP2 is on the minus strand). VCF-style: chr2-169185953-CTGGTTA-AT. GRCh37 (hg19) VCF-style: chr2-170042463-CTGGTTA-AT.
Other names: short protein forms L3130fs.
Identifiers: ClinVar variation 5014238 (VCV005014238.1).
Genomic context (GRCh38, chr2:169,185,953, plus strand): 5'-TCAACACAAGTCCGCTTGTCAGACATGAGCTTGTAACCAGGACGACAGGAACAATAGAAA[CTGGTTA>AT]AGGTGTCTGTGCAGTTGTGATCGCAGCCACTGATTGAAGGGTCATGGCATTCATTAATGC-3'

ClinVar aggregate classification (germline): Pathogenic (1 of 4 stars; one submission).

Conditions:
Donnai-Barrow syndrome. Also called: DBS/FOAR SYNDROME; FACIOOCULOACOUSTICORENAL SYNDROME. Identifiers: Orphanet 2143, MedGen C1857277, MONDO:0009104, OMIM 222448.

Submission:

Myriad Genetics, Inc.
Classification: Pathogenic for Donnai-Barrow syndrome. Last evaluated: 2025-03-21. Review status: criteria provided, single submitter. Criteria: Myriad Autosomal Dominant, Autosomal Recessive and X-Linked Classification Criteria (2023). Collection method: clinical testing. Allele origin: unknown.
Comment: NM_004525.2(LRP2):c.9389_9395del7ins2(L3130Yfs*15) is expected to be pathogenic in the context of Donnai-Barrow syndrome. This variant is predicted to lead to an abnormal or absent protein product due to the creation of a premature termination codon in LRP2, a gene where loss-of-function variants are known to be pathogenic. Please note: this variant was assessed in the context of healthy population screening.